The following is an entry in ClinVar:

NC_000014.8:g.(?_23897769)_(23900067_?)del

Gene: MYH7 (myosin heavy chain 7; minus strand). Cytogenetic location: 14q11.2.
Variant type: Deletion.
Identifiers: ClinVar variation 3243939 (VCV003243939.1).

ClinVar aggregate classification (germline): Likely pathogenic (1 of 4 stars; one submission).

Conditions:
Hypertrophic cardiomyopathy. Also called: HYPERTROPHIC MYOCARDIOPATHY. Identifiers: Orphanet 217569, MedGen C0007194, MeSH D002312, MONDO:0005045, HP:0001639.

Submission:

Labcorp Genetics (formerly Invitae), Labcorp
Classification: Likely pathogenic for Hypertrophic cardiomyopathy. Last evaluated: 2023-07-05. Review status: criteria provided, single submitter. Criteria: Invitae Variant Classification Sherloc (09022015). Collection method: clinical testing. Allele origin: unknown.
Comment: ClinVar contains an entry for this variant (Variation ID: 854961). In summary, the currently available evidence indicates that the variant is pathogenic, but additional data are needed to prove that conclusively. Therefore, this variant has been classified as Likely Pathogenic. This variant has been observed in individual(s) with clinical features of MYH7-related conditions (Invitae). It has also been observed to segregate with disease in related individuals. This variant results in the deletion of exons 11-14 and part of exon 15 (c.895+43_1518delinsTT) of the MYH7 gene. It is expected to disrupt RNA splicing. Variants that disrupt the donor or acceptor splice site typically lead to a loss of protein function (PMID: 16199547), however the current clinical and genetic evidence is not sufficient to establish whether loss-of-function variants in MYH7 cause disease.

Literature cited by the submitters: PubMed 16199547.